The following is an entry in ClinVar:

ClinVar aggregate classification (germline): Uncertain significance (1 of 4 stars; one submission).

Conditions:
Hereditary cancer-predisposing syndrome. Also called: Hereditary Cancer Syndrome; Hereditary neoplastic syndrome; Neoplastic Syndromes, Hereditary; Tumor predisposition. Identifiers: Orphanet 140162, MedGen C0027672, MeSH D009386, MONDO:0015356.

Submission:

Sema4
Classification: Uncertain significance for Hereditary cancer-predisposing syndrome. Last evaluated: 2021-11-03. Review status: criteria provided, single submitter. Criteria: Sema4 Curation Guidelines. Collection method: curation. Allele origin: germline.
Comment: The DICER1 c.4022G>A (p.G1341D) variant has not been reported in the literature to our knowledge. It was not observed in the large and broad cohorts of the Genome Aggregation Database. The variant has not been reported in ClinVar. In silico tools suggest the impact of the variant on protein function is deleterious, though these predictions have not been confirmed by functional studies. The evidence is insufficient to meet ACMG/AMP criteria for classifying the variant as benign or pathogenic. Thus, the clinical significance of this variant is currently uncertain.

NM_177438.3(DICER1):c.4022G>A (p.Gly1341Asp)

Gene: DICER1 (dicer 1, ribonuclease III; minus strand). Cytogenetic location: 14q32.13.
Variant type: single nucleotide variant.
Coding change: c.4022G>A on transcript NM_177438.3 (MANE Select); coding-DNA position 4022, G replaced by A.
Protein change: p.Gly1341Asp; replaces glycine 1341 with aspartic acid.
Molecular consequence: missense variant. On other transcripts: non-coding transcript variant (6).
Genome position (GRCh38, 1-based): chr14:95,103,374, C>T on the plus strand (G>A on the coding strand, the complement: DICER1 is on the minus strand). VCF-style: chr14-95103374-C-T. GRCh37 (hg19) VCF-style: chr14-95569711-C-T.
Other names: c.4022G>A, p.Gly1341Asp (NM_001195573.1, NM_001271282.3, NM_001291628.2 and 12 more transcripts); c.3740G>A, p.Gly1247Asp (NM_001395686.1); c.3617G>A, p.Gly1206Asp (NM_001395687.1, NM_001395688.1, NM_001395689.1 and 2 more transcripts); c.3455G>A, p.Gly1152Asp (NM_001395691.1); c.2339G>A, p.Gly780Asp (NM_001395697.1); short protein forms G1152D, G1206D, G1247D, G1341D, G780D.
Identifiers: ClinVar variation 1692089 (VCV001692089.1), dbSNP rs2139954029, ClinGen allele CA390872935.